The following is an entry in ClinVar:

ClinVar aggregate classification (germline): Likely benign (1 of 4 stars; one submission).

Conditions:
Osteogenesis imperfecta type 7 (OI7). Also called: OSTEOGENESIS IMPERFECTA, TYPE IIB; Osteogenesis imperfecta type 2B; OI type 2B; Osteogenesis imperfecta, perinatal lethal autosomal recessive; OI type IIB; OI type 7. Identifiers: MedGen C1853162, MONDO:0012536, OMIM 610682.

Allele frequency attached by ClinVar (database versions not stated): 1000 Genomes Project 0.00439; gnomAD 0.00488 and 0.00534; 1000 Genomes Project 30x 0.00547; TOPMed 0.00559.

Submission:

Illumina Laboratory Services, Illumina
Classification: Likely benign for Osteogenesis imperfecta type 7. Last evaluated: 2018-01-12. Review status: criteria provided, single submitter. Criteria: ICSL Variant Classification Criteria 13 December 2019. Collection method: clinical testing. Allele origin: germline.
Comment: This variant was observed in the ICSL laboratory as part of a predisposition screen in an ostensibly healthy population. It had not been previously curated by ICSL or reported in the Human Gene Mutation Database (HGMD: prior to June 1st, 2018), and was therefore a candidate for classification through an automated scoring system. Utilizing variant allele frequency, disease prevalence and penetrance estimates, and inheritance mode, an automated score was calculated to assess if this variant is too frequent to cause the disease. Based on the score and internal cut-off values, a variant classified as likely benign is not then subjected to further curation. The score for this variant resulted in a classification of likely benign for this disease.

NM_006371.5(CRTAP):c.*4017G>A

Gene: CRTAP (cartilage associated protein; plus strand). Cytogenetic location: 3p22.3.
Variant type: single nucleotide variant.
Coding change: c.*4017G>A on transcript NM_006371.5 (MANE Select); 4017 bases downstream of the stop codon, G replaced by A.
Molecular consequence: 3 prime UTR variant.
Genome position (GRCh38, 1-based): chr3:33,146,465, G>A. VCF-style: chr3-33146465-G-A. GRCh37 (hg19) VCF-style: chr3-33187957-G-A.
Identifiers: ClinVar variation 901136 (VCV000901136.4), dbSNP rs115504052, ClinGen allele CA72674859.